The following is an entry in ClinVar:

ClinVar aggregate classification (germline): Benign/Likely benign. Review status: criteria provided, multiple submitters, no conflicts (2 of 4 stars). 2 submissions from 2 submitters: Benign (1); Likely benign (1). Last evaluated 2025-11-10.

Conditions:
Juvenile polyposis syndrome (JPS). Identifiers: Orphanet 2929, MedGen C0345893, MONDO:0017380, OMIM 174900.
Hereditary cancer-predisposing syndrome. Also called: Hereditary Cancer Syndrome; Tumor predisposition; Hereditary neoplastic syndrome; Neoplastic Syndromes, Hereditary. Identifiers: Orphanet 140162, MedGen C0027672, MeSH D009386, MONDO:0015356.

Submissions (2):

Ambry Genetics
Classification: Likely benign for Hereditary cancer-predisposing syndrome. Last evaluated: 2025-11-10. Review status: criteria provided, single submitter. Criteria: Ambry Variant Classification Scheme 2023. Collection method: clinical testing. Allele origin: germline.

Myriad Genetics, Inc.
Classification: Benign for Juvenile polyposis syndrome. Last evaluated: 2024-07-31. Review status: criteria provided, single submitter. Criteria: Myriad Autosomal Dominant, Autosomal Recessive and X-Linked Classification Criteria (2023). Collection method: clinical testing. Allele origin: unknown.
Comment: This variant is considered benign. This variant is a silent/synonymous amino acid change and it is not expected to impact splicing.

NM_004329.3(BMPR1A):c.120C>T (p.Asp40=)

Gene: BMPR1A (bone morphogenetic protein receptor type 1A; plus strand). Cytogenetic location: 10q23.2.
Variant type: single nucleotide variant.
Coding change: c.120C>T on transcript NM_004329.3 (MANE Select); coding-DNA position 120, C replaced by T.
Protein change: p.Asp40=; no amino-acid change (aspartic acid 40 retained).
Molecular consequence: synonymous variant. On other transcripts: non-coding transcript variant (3).
Genome position (GRCh38, 1-based): chr10:86,890,114, C>T. VCF-style: chr10-86890114-C-T. GRCh37 (hg19) VCF-style: chr10-88649871-C-T.
Other names: c.36C>T, p.Asp12= (NM_001406587.1, NM_001406588.1, NM_001406584.1 and 2 more transcripts); c.120C>T, p.Asp40= (NM_001406589.1, NM_001406559.1, NM_001406560.1 and 23 more transcripts).
Identifiers: ClinVar variation 3378592 (VCV003378592.2).